The following is an entry in ClinVar:

ClinVar aggregate classification (germline): Uncertain significance (1 of 4 stars; one submission).

gnomAD v4.1: 1 of 1,206,250 alleles (0.000083%); highest among the groups gnomAD compares: Non-Finnish European, 0.00011%; no homozygotes.

Submission:

Labcorp Genetics (formerly Invitae), Labcorp
Classification: Uncertain significance. Last evaluated: 2025-07-09. Review status: criteria provided, single submitter. Criteria: Invitae Variant Classification Sherloc (09022015). Collection method: clinical testing. Allele origin: germline.
Comment: This sequence change replaces isoleucine, which is neutral and non-polar, with valine, which is neutral and non-polar, at codon 270 of the BRWD3 protein (p.Ile270Val). This variant is not present in population databases (gnomAD no frequency). This variant has not been reported in the literature in individuals affected with BRWD3-related conditions. Invitae Evidence Modeling of protein sequence and biophysical properties (such as structural, functional, and spatial information, amino acid conservation, physicochemical variation, residue mobility, and thermodynamic stability) indicates that this missense variant is not expected to disrupt BRWD3 protein function with a negative predictive value of 80%. In summary, the available evidence is currently insufficient to determine the role of this variant in disease. Therefore, it has been classified as a Variant of Uncertain Significance.

NM_153252.5(BRWD3):c.808A>G (p.Ile270Val)

Gene: BRWD3 (bromodomain and WD repeat domain containing 3; minus strand). Cytogenetic location: Xq21.1.
Variant type: single nucleotide variant.
Coding change: c.808A>G on transcript NM_153252.5 (MANE Select); coding-DNA position 808, A replaced by G.
Protein change: p.Ile270Val; replaces isoleucine 270 with valine.
Molecular consequence: missense variant.
Genome position (GRCh38, 1-based): chrX:80,744,037, T>C on the plus strand (A>G on the coding strand, the complement: BRWD3 is on the minus strand). VCF-style: chrX-80744037-T-C. GRCh37 (hg19) VCF-style: chrX-79999536-T-C.
Other names: c.808A>G, p.Ile270Val (NM_001441339.1); short protein forms I270V.
Identifiers: ClinVar variation 4698534 (VCV004698534.1).